The following is an entry in ClinVar:

ClinVar aggregate classification (germline): Uncertain significance. Review status: criteria provided, multiple submitters, no conflicts (2 of 4 stars). 2 submissions from 2 submitters: Uncertain significance (2). Last evaluated 2018-01-13.

Conditions:
Maturity-onset diabetes of the young (MODY). Also called: Maturity onset diabetes mellitus in young. Identifiers: Orphanet 552, MedGen C0342276, MONDO:0018911, HP:0004904.
Renal cysts and diabetes syndrome (RCAD). Also called: Familial hypoplastic, glomerulocystic kidney; MATURITY-ONSET DIABETES OF THE YOUNG, TYPE 5. Identifiers: Orphanet 93111, MedGen C0431693, MONDO:0007669, OMIM 137920.

Allele frequency attached by ClinVar (database versions not stated): TOPMed 0.00001.

Submissions (2):

Illumina Laboratory Services, Illumina
Classification: Uncertain significance for Renal cysts and diabetes syndrome. Last evaluated: 2018-01-13. Review status: criteria provided, single submitter. Criteria: ICSL Variant Classification Criteria 13 December 2019. Collection method: clinical testing. Allele origin: germline.

Clinical Genomics, Uppaluri K&H Personalized Medicine Clinic
Classification: Uncertain significance for Maturity-onset diabetes of the young. Review status: criteria provided, single submitter. Criteria: K & H Uppaluri Personalized Medicine Clinic Variant Classification & Assertion Criteria_Updated V.1. Collection method: research. Allele origin: unknown. Inheritance: Autosomal dominant inheritance.
Comment: HNF1B gene mutations are associated with early onset diabetes and pancreatic atrophy. It is also associated with multiple renal manifestations including renal cysts, Tubulointerstitial disease, glomerulocystic disease, renal hypoplasia, hypomagnesemia. However no sufficient evidence is found to ascertain the role of this particular variant rs886052889, yet.

Literature cited by the submitters: PubMed 24897035 (cited by Clinical Genomics, Uppaluri K&H Personalized Medicine Clinic); PubMed 25536396 (cited by Clinical Genomics, Uppaluri K&H Personalized Medicine Clinic); PubMed 27615128 (cited by Clinical Genomics, Uppaluri K&H Personalized Medicine Clinic); PubMed 28215227 (cited by Clinical Genomics, Uppaluri K&H Personalized Medicine Clinic); PubMed 33434175 (cited by Clinical Genomics, Uppaluri K&H Personalized Medicine Clinic); PubMed 25741167 (cited by Clinical Genomics, Uppaluri K&H Personalized Medicine Clinic); PubMed 26340261 (cited by Clinical Genomics, Uppaluri K&H Personalized Medicine Clinic); PubMed 19639018 (cited by Clinical Genomics, Uppaluri K&H Personalized Medicine Clinic).

NM_000458.4(HNF1B):c.*585T>C

Gene: HNF1B (HNF1 homeobox B; minus strand). Cytogenetic location: 17q12.
Variant type: single nucleotide variant.
Coding change: c.*585T>C on transcript NM_000458.4 (MANE Select); 585 bases downstream of the stop codon, T replaced by C.
Molecular consequence: 3 prime UTR variant.
Genome position (GRCh38, 1-based): chr17:37,686,787, A>G on the plus strand (T>C on the coding strand, the complement: HNF1B is on the minus strand). VCF-style: chr17-37686787-A-G. GRCh37 (hg19) VCF-style: chr17-36046790-A-G.
Other names: c.*585T>C (NM_001165923.4); c.*493T>C (NM_001304286.2).
Identifiers: ClinVar variation 322934 (VCV000322934.6), dbSNP rs886052889, ClinGen allele CA10649997.